The following is an entry in ClinVar:

NM_022168.4(IFIH1):c.371C>A (p.Thr124Asn)

Gene: IFIH1 (interferon induced with helicase C domain 1; minus strand). Cytogenetic location: 2q24.2.
Variant type: single nucleotide variant.
Coding change: c.371C>A on transcript NM_022168.4 (MANE Select); coding-DNA position 371, C replaced by A.
Protein change: p.Thr124Asn; replaces threonine 124 with asparagine.
Molecular consequence: missense variant.
Genome position (GRCh38, 1-based): chr2:162,317,937, G>T on the plus strand (C>A on the coding strand, the complement: IFIH1 is on the minus strand). VCF-style: chr2-162317937-G-T. GRCh37 (hg19) VCF-style: chr2-163174447-G-T.
Other names: short protein forms T124N.
Identifiers: ClinVar variation 1045708 (VCV001045708.8), dbSNP rs768520868, ClinGen allele CA1934846.

ClinVar aggregate classification (germline): Uncertain significance (1 of 4 stars; one submission).

Conditions:
Aicardi-Goutieres syndrome 7 (AGS7). Identifiers: Orphanet 51, MedGen C3888244, MONDO:0014367, OMIM 615846.
Singleton-Merten syndrome 1 (SGMRT1). Also called: Widened medullary cavities of bone, aortic calcification, abnormal dentition, and muscular weakness; Syndrome of widened medullary cavities of the metacarpals and phalanges, aortic calcification and abnormal dentition. Identifiers: Orphanet 85191, MedGen C4225427, MONDO:0024535, OMIM 182250.

Allele frequency attached by ClinVar (database versions not stated): gnomAD 0.00006 and 0.00005; gnomAD exomes 0.00002; ExAC 0.00002; TOPMed 0.00002.
gnomAD v4.1: 10 of 1,614,030 alleles (0.00062%); highest among the groups gnomAD compares: African/African-American, 0.013%; no homozygotes.

Submission:

Labcorp Genetics (formerly Invitae), Labcorp
Classification: Uncertain significance for Aicardi-Goutieres syndrome 7; Singleton-Merten syndrome 1. Last evaluated: 2025-12-03. Review status: criteria provided, single submitter. Criteria: Invitae Variant Classification Sherloc (09022015). Collection method: clinical testing. Allele origin: germline.
Comment: This sequence change replaces threonine, which is neutral and polar, with asparagine, which is neutral and polar, at codon 124 of the IFIH1 protein (p.Thr124Asn). This variant is present in population databases (rs768520868, gnomAD 0.02%). This variant has not been reported in the literature in individuals affected with IFIH1-related conditions. ClinVar contains an entry for this variant (Variation ID: 1045708). Invitae Evidence Modeling of protein sequence and biophysical properties (such as structural, functional, and spatial information, amino acid conservation, physicochemical variation, residue mobility, and thermodynamic stability) has been performed for this missense variant. However, the output from this modeling did not meet the statistical confidence thresholds required to predict the impact of this variant on IFIH1 protein function. In summary, the available evidence is currently insufficient to determine the role of this variant in disease. Therefore, it has been classified as a Variant of Uncertain Significance.